The following is an entry in ClinVar:

ClinVar aggregate classification (germline): Uncertain significance (1 of 4 stars; one submission).

Conditions:
Intellectual disability, autosomal recessive 53 (NEDHSCA). Also called: NEURODEVELOPMENTAL DISORDER WITH OR WITHOUT HYPOTONIA, SEIZURES, AND CEREBELLAR ATROPHY; GLYCOSYLPHOSPHATIDYLINOSITOL BIOSYNTHESIS DEFECT 13; Mental retardation, autosomal recessive 53. Identifiers: Orphanet 488635, MedGen C4310794, MONDO:0014832, OMIM 616917.

Allele frequency attached by ClinVar (database versions not stated): gnomAD exomes below 0.00001; TOPMed 0.00001.
gnomAD v4.1: 2 of 1,614,150 alleles (0.00012%); highest among the groups gnomAD compares: Admixed American, 0.0017%; no homozygotes.

Submission:

Labcorp Genetics (formerly Invitae), Labcorp
Classification: Uncertain significance for Intellectual disability, autosomal recessive 53. Last evaluated: 2022-11-17. Review status: criteria provided, single submitter. Criteria: Invitae Variant Classification Sherloc (09022015). Collection method: clinical testing. Allele origin: germline.
Comment: This variant is present in population databases (no rsID available, gnomAD 0.003%). This sequence change replaces isoleucine, which is neutral and non-polar, with valine, which is neutral and non-polar, at codon 224 of the PIGG protein (p.Ile224Val). This variant has not been reported in the literature in individuals affected with PIGG-related conditions. In summary, the available evidence is currently insufficient to determine the role of this variant in disease. Therefore, it has been classified as a Variant of Uncertain Significance. Advanced modeling of protein sequence and biophysical properties (such as structural, functional, and spatial information, amino acid conservation, physicochemical variation, residue mobility, and thermodynamic stability) performed at Invitae indicates that this missense variant is not expected to disrupt PIGG protein function.

NM_001127178.3(PIGG):c.670A>G (p.Ile224Val)

Gene: PIGG (phosphatidylinositol glycan anchor biosynthesis class G (EMM blood group); plus strand). Cytogenetic location: 4p16.3.
Variant type: single nucleotide variant.
Coding change: c.670A>G on transcript NM_001127178.3 (MANE Select); coding-DNA position 670, A replaced by G.
Protein change: p.Ile224Val; replaces isoleucine 224 with valine.
Molecular consequence: missense variant. On other transcripts: 5 prime UTR variant (4), non-coding transcript variant (10), intron variant (1).
Genome position (GRCh38, 1-based): chr4:507,504, A>G. VCF-style: chr4-507504-A-G. GRCh37 (hg19) VCF-style: chr4-501293-A-G.
Other names: c.403A>G, p.Ile135Val (NM_001289051.2, NM_001289053.2, NM_001289057.2 and 2 more transcripts); c.304A>G, p.Ile102Val (NM_001289055.2); c.-218A>G (NM_001345988.2); c.670A>G, p.Ile224Val (NM_001345989.2, NM_017733.5); c.-956A>G (NM_001345990.2); c.-818A>G (NM_001345991.2); c.-543A>G (NM_001345994.2); c.361-1325A>G (NM_001289052.2); short protein forms I102V, I135V, I224V.
Identifiers: ClinVar variation 1929252 (VCV001929252.4), dbSNP rs1553880259, ClinGen allele CA355897395.